The following is an entry in ClinVar:

NM_001684.5(ATP2B4):c.376G>C (p.Gly126Arg)

Gene: ATP2B4 (ATPase plasma membrane Ca2+ transporting 4; plus strand). Cytogenetic location: 1q32.1.
Variant type: single nucleotide variant.
Coding change: c.376G>C on transcript NM_001684.5 (MANE Select); coding-DNA position 376, G replaced by C.
Protein change: p.Gly126Arg; replaces glycine 126 with arginine.
Molecular consequence: missense variant.
Genome position (GRCh38, 1-based): chr1:203,698,339, G>C. VCF-style: chr1-203698339-G-C. GRCh37 (hg19) VCF-style: chr1-203667467-G-C.
Other names: c.376G>C, p.Gly126Arg (NM_001001396.3, NM_001365783.2, NM_001365784.2); short protein forms G126R.
Identifiers: ClinVar variation 3700492 (VCV003700492.2).

ClinVar aggregate classification (germline): Uncertain significance (1 of 4 stars; one submission).

gnomAD v4.1: 221 of 1,614,074 alleles (0.014%); highest among the groups gnomAD compares: South Asian, 0.083%; no homozygotes.

Submission:

Labcorp Genetics (formerly Invitae), Labcorp
Classification: Uncertain significance. Last evaluated: 2025-03-29. Review status: criteria provided, single submitter. Criteria: Invitae Variant Classification Sherloc (09022015). Collection method: clinical testing. Allele origin: germline.
Comment: This sequence change replaces glycine, which is neutral and non-polar, with arginine, which is basic and polar, at codon 126 of the ATP2B4 protein (p.Gly126Arg). This variant is present in population databases (rs372768311, gnomAD 0.08%), and has an allele count higher than expected for a pathogenic variant. This variant has not been reported in the literature in individuals affected with ATP2B4-related conditions. Invitae Evidence Modeling of protein sequence and biophysical properties (such as structural, functional, and spatial information, amino acid conservation, physicochemical variation, residue mobility, and thermodynamic stability) indicates that this missense variant is not expected to disrupt ATP2B4 protein function with a negative predictive value of 80%. In summary, the available evidence is currently insufficient to determine the role of this variant in disease. Therefore, it has been classified as a Variant of Uncertain Significance.